The following is an entry in ClinVar:

ClinVar aggregate classification (germline): Uncertain significance. Review status: criteria provided, multiple submitters, no conflicts (2 of 4 stars). 2 submissions from 2 submitters: Uncertain significance (2). Last evaluated 2025-09-25.

Allele frequency attached by ClinVar (database versions not stated): gnomAD exomes below 0.00001; TOPMed below 0.00001; ExAC 0.00001.
gnomAD v4.1: 3 of 1,614,156 alleles (0.00019%); highest among the groups gnomAD compares: Non-Finnish European, 0.00017%; no homozygotes.

Submissions (2):

Ambry Genetics
Classification: Uncertain significance. Last evaluated: 2025-09-25. Review status: criteria provided, single submitter. Criteria: Ambry Variant Classification Scheme 2023. Collection method: clinical testing. Allele origin: germline.

Labcorp Genetics (formerly Invitae), Labcorp
Classification: Uncertain significance. Last evaluated: 2023-09-19. Review status: criteria provided, single submitter. Criteria: Invitae Variant Classification Sherloc (09022015). Collection method: clinical testing. Allele origin: germline.
Comment: An algorithm developed to predict the effect of missense changes on protein structure and function (PolyPhen-2) suggests that this variant is likely to be tolerated. ClinVar contains an entry for this variant (Variation ID: 1392977). This variant has not been reported in the literature in individuals affected with NEK2-related conditions. This variant is present in population databases (rs760853858, gnomAD 0.0009%). This sequence change replaces valine, which is neutral and non-polar, with methionine, which is neutral and non-polar, at codon 116 of the NEK2 protein (p.Val116Met). In summary, the available evidence is currently insufficient to determine the role of this variant in disease. Therefore, it has been classified as a Variant of Uncertain Significance.

NM_002497.4(NEK2):c.346G>A (p.Val116Met)

Gene: NEK2 (NIMA related kinase 2; minus strand). Cytogenetic location: 1q32.3.
Variant type: single nucleotide variant.
Coding change: c.346G>A on transcript NM_002497.4 (MANE Select); coding-DNA position 346, G replaced by A.
Protein change: p.Val116Met; replaces valine 116 with methionine.
Molecular consequence: missense variant.
Genome position (GRCh38, 1-based): chr1:211,673,692, C>T on the plus strand (G>A on the coding strand, the complement: NEK2 is on the minus strand). VCF-style: chr1-211673692-C-T. GRCh37 (hg19) VCF-style: chr1-211847034-C-T.
Other names: c.346G>A (NM_002497.3); c.346G>A, p.Val116Met (NM_001204182.2, NM_001204183.2); short protein forms V116M.
Identifiers: ClinVar variation 1392977 (VCV001392977.9), dbSNP rs760853858, ClinGen allele CA1381701.